The following is an entry in ClinVar:

ClinVar aggregate classification (germline): Uncertain significance (1 of 4 stars; one submission).

gnomAD v4.1: 1 of 1,614,058 alleles (0.000062%); highest among the groups gnomAD compares: African/African-American, 0.0013%; no homozygotes.

Submission:

Ambry Genetics
Classification: Uncertain significance. Last evaluated: 2026-05-28. Review status: criteria provided, single submitter. Criteria: Ambry Variant Classification Scheme 2023. Collection method: clinical testing. Allele origin: germline.
Comment: The p.M600V variant (also known as c.1798A>G), located in coding exon 1 of the TET2 gene, results from an A to G substitution at nucleotide position 1798. The methionine at codon 600 is replaced by valine, an amino acid with highly similar properties. This amino acid position is conserved. In addition, this alteration is predicted to be tolerated by in silico analysis. Based on the available evidence, the clinical significance of this variant remains unclear.

NM_001127208.3(TET2):c.1798A>G (p.Met600Val)

Genes: TET2 (tet methylcytosine dioxygenase 2; plus strand), TET2-AS1 (TET2 antisense RNA 1; minus strand). Cytogenetic location: 4q24.
Variant type: single nucleotide variant.
Coding change: c.1798A>G on transcript NM_001127208.3 (MANE Select); coding-DNA position 1798, A replaced by G.
Protein change: p.Met600Val; replaces methionine 600 with valine.
Molecular consequence: missense variant.
Genome position (GRCh38, 1-based): chr4:105,235,740, A>G. VCF-style: chr4-105235740-A-G. GRCh37 (hg19) VCF-style: chr4-106156897-A-G.
Other names: c.1798A>G, p.Met600Val (NM_017628.4); short protein forms M600V.
Identifiers: ClinVar variation 4865590 (VCV004865590.1).